The following is an entry in ClinVar:

NM_198060.4(NRAP):c.251G>T (p.Ser84Ile)

Gene: NRAP (nebulin related anchoring protein; minus strand). Cytogenetic location: 10q25.3.
Variant type: single nucleotide variant.
Coding change: c.251G>T on transcript NM_198060.4 (MANE Select); coding-DNA position 251, G replaced by T.
Protein change: p.Ser84Ile; replaces serine 84 with isoleucine.
Molecular consequence: missense variant.
Genome position (GRCh38, 1-based): chr10:113,662,683, C>A on the plus strand (G>T on the coding strand, the complement: NRAP is on the minus strand). VCF-style: chr10-113662683-C-A. GRCh37 (hg19) VCF-style: chr10-115422442-C-A.
Other names: c.251G>T (NM_001261463.1); c.251G>T, p.Ser84Ile (NM_001261463.2, NM_001322945.2, NM_006175.5); short protein forms S84I.
Identifiers: ClinVar variation 3895306 (VCV003895306.3), dbSNP rs145242709.

ClinVar aggregate classification (germline): Likely benign. Review status: criteria provided, multiple submitters, no conflicts (2 of 4 stars). 3 submissions from 3 submitters: Likely benign (3). Last evaluated 2025-04-09.

Conditions:
NRAP-related disorder. Also called: NRAP-related condition.

gnomAD v4.1: 562 of 1,532,054 alleles (0.037%); highest among the groups gnomAD compares: Middle Eastern, 0.27%; 4 homozygotes.

Submissions (3):

Molecular Diagnostic Laboratory for Inherited Cardiovascular Disease, Montreal Heart Institute
Classification: Likely benign. Last evaluated: 2025-04-09. Review status: criteria provided, single submitter. Criteria: ACMG Guidelines, 2015. Collection method: clinical testing. Allele origin: germline. Affected: no.
Comment: BP4

Blueprint Genetics
Classification: Likely benign. Last evaluated: 2024-11-15. Review status: criteria provided, single submitter. Criteria: ACMG Guidelines, 2015. Collection method: clinical testing. Allele origin: germline.

PreventionGenetics, part of Exact Sciences
Classification: Likely benign for NRAP-related condition. Last evaluated: 2024-10-25. Review status: criteria provided, single submitter. Criteria: ACMG Guidelines, 2015. Collection method: clinical testing. Allele origin: germline.
Comment: This variant is classified as likely benign based on ACMG/AMP sequence variant interpretation guidelines (Richards et al. 2015 PMID: 25741868, with internal and published modifications).